The following is an entry in ClinVar:

ClinVar aggregate classification (germline): Likely pathogenic (1 of 4 stars; one submission).

Conditions:
Epidermolysis bullosa simplex 5B, with muscular dystrophy (EBS5B). Also called: Epidermolysis bullosa simplex with muscular dystrophy; EPIDERMOLYSIS BULLOSA SIMPLEX AND LIMB-GIRDLE MUSCULAR DYSTROPHY. Identifiers: Orphanet 257, MedGen C2931072, MONDO:0009181, OMIM 226670.
Epidermolysis bullosa simplex 5C, with pyloric atresia (EBS5C). Also called: PLEC-Related Epidermolysis Bullosa with Pyloric Atresia; Epidermolysis bullosa simplex with pyloric atresia; PLEC1-Related Epidermolysis Bullosa with Pyloric Atresia. Identifiers: Orphanet 158684, MedGen C2677349, MONDO:0012807, OMIM 612138.
Epidermolysis bullosa simplex with nail dystrophy (EBS5D). Identifiers: MedGen C4225309, MONDO:0014661, OMIM 616487.
Epidermolysis bullosa simplex, Ogna type (EBS5A). Also called: Pidermolysis bullosa simplex 5A, Ogna type; EPIDERMOLYSIS BULLOSA SIMPLEX 5A, OGNA TYPE. Identifiers: Orphanet 79401, MedGen C0432317, MONDO:0007555, OMIM 131950.
Autosomal recessive limb-girdle muscular dystrophy type 2Q (LGMDR17). Also called: MUSCULAR DYSTROPHY, LIMB-GIRDLE, AUTOSOMAL RECESSIVE 17. Identifiers: Orphanet 254361, MedGen C3150989, MONDO:0013390, OMIM 613723.

Submission:

Labcorp Genetics (formerly Invitae), Labcorp
Classification: Likely pathogenic for Autosomal recessive limb-girdle muscular dystrophy type 2Q; Epidermolysis bullosa simplex, Ogna type; Epidermolysis bullosa simplex with nail dystrophy; Epidermolysis bullosa simplex 5C, with pyloric atresia; Epidermolysis bullosa simplex 5B, with muscular dystrophy. Last evaluated: 2022-09-19. Review status: criteria provided, single submitter. Criteria: Invitae Variant Classification Sherloc (09022015). Collection method: clinical testing. Allele origin: germline.
Comment: This variant is not present in population databases (gnomAD no frequency). In summary, the currently available evidence indicates that the variant is pathogenic, but additional data are needed to prove that conclusively. Therefore, this variant has been classified as Likely Pathogenic. Algorithms developed to predict the effect of sequence changes on RNA splicing suggest that this variant may disrupt the consensus splice site. This variant has not been reported in the literature in individuals affected with PLEC-related conditions. This variant results in the deletion of part of exon 17 of the PLEC gene. It is expected to disrupt RNA splicing. Variants that disrupt the donor or acceptor splice site typically lead to a loss of protein function (PMID: 16199547), and loss-of-function variants in PLEC are known to be pathogenic (PMID: 20301336, 20447487, 21109228, 23289980, 28824526).

Literature cited by the submitters: PubMed 16199547; PubMed 20301336; PubMed 20447487; PubMed 21109228; PubMed 23289980; PubMed 28824526.

NM_201384.3(PLEC):c.1973_1977+2del

Gene: PLEC (plectin; minus strand). Cytogenetic location: 8q24.3.
Variant type: Deletion.
Coding change: c.1973_1977+2del on transcript NM_201384.3 (MANE Select); coding-DNA position 1973 through the canonical splice donor site of the intron after coding-DNA position 1977, 7 bases deleted (ACTCGGT; older notation c.1973_1977+2delACTCGGT).
Molecular consequence: splice donor variant.
Genome position (GRCh38, 1-based): chr8:143,932,398-143,932,404, ACCGAGT deleted on the plus strand (ACTCGGT on the coding strand, the reverse complement: PLEC is on the minus strand); deleting any 7 consecutive bases within chr8:143,932,398-143,932,405 gives the same sequence; the c. name uses the placement nearest the transcript's 3' end. VCF-style (leftmost placement, unchanged base first): chr8-143932397-CACCGAGT-C. GRCh37 (hg19) VCF-style: chr8-145006565-CACCGAGT-C.
Other names: c.2054_2058+2del (NM_000445.5); c.1931_1935+2del (NM_201378.4); c.1907_1911+2del (NM_201379.3); c.2384_2388+2del (NM_201380.4); c.1877_1881+2del (NM_201381.3); c.1973_1977+2del (NM_201382.4); c.1985_1989+2del (NM_201383.3).
Identifiers: ClinVar variation 1996930 (VCV001996930.4), dbSNP rs2538800930, ClinGen allele CA2580078758.